The following is an entry in ClinVar:

ClinVar aggregate classification (germline): Pathogenic (1 of 4 stars; one submission).

Conditions:
Autosomal dominant Alport syndrome (ATS3A). Also called: Alport syndrome dominant type; Renal failure and sensorineural hearing loss; ALPORT SYNDROME 3A, AUTOSOMAL DOMINANT. Identifiers: Orphanet 63, Orphanet 88918, MedGen C5882663, MONDO:0007086, OMIM 104200.

Submission:

Centre de Génétique Humaine, Institut de Pathologie Et de Génétique
Classification: Pathogenic for Autosomal dominant Alport syndrome. Last evaluated: 2026-06-01. Review status: criteria provided, single submitter. Criteria: ACMG Guidelines, 2015. Collection method: clinical testing. Allele origin: germline. Inheritance: Autosomal dominant inheritance. Affected: yes. Observed: 1 variant allele, 1 heterozygote. Segregation with disease not observed.
Comment: This variant deletes 300 bp (the last 4 nucleotides of exon 4 and 256 pb of itron 4 including splice canonical acceptor site) (PVS1). This variant is rare: absent in gnomAD v4.1.0 database (PM2)

NM_000092.5(COL4A4):c.189_192+257del

Gene: COL4A4 (collagen type IV alpha 4 chain; minus strand). Cytogenetic location: 2q36.3.
Variant type: Deletion.
Coding change: c.189_192+257del on transcript NM_000092.5 (MANE Select); coding-DNA position 189 through 257 bases into the intron after coding-DNA position 192, 261 bases deleted.
Molecular consequence: splice donor variant.
Genome position (GRCh38, 1-based): chr2:227,139,904-227,140,164, 261 bases deleted. GRCh37 (hg19): chr2:228,004,620-228,004,880.
Identifiers: ClinVar variation 4884707 (VCV004884707.1).